The following is an entry in ClinVar:

ClinVar aggregate classification (germline): Uncertain significance. Review status: criteria provided, multiple submitters, no conflicts (2 of 4 stars). 2 submissions from 2 submitters: Uncertain significance (2). Last evaluated 2024-06-26.

Conditions:
Inborn genetic diseases. Identifiers: MedGen C0950123, MeSH D030342.
COG1 congenital disorder of glycosylation (CDG2G). Also called: CONGENITAL DISORDER OF GLYCOSYLATION, TYPE IIg; CDG IIg; CDGII/COG1 CEREBROCOSTOMANDIBULAR-LIKE SYNDROME. Identifiers: Orphanet 263508, MedGen C2931011, MONDO:0012637, OMIM 611209.

Allele frequency attached by ClinVar (database versions not stated): ExAC 0.00001; gnomAD 0.00001; gnomAD exomes 0.00001; TOPMed 0.00002.

Submissions (2):

Ambry Genetics
Classification: Uncertain significance for Inborn genetic diseases. Last evaluated: 2024-06-26. Review status: criteria provided, single submitter. Criteria: Ambry Variant Classification Scheme 2023. Collection method: clinical testing. Allele origin: germline.

Labcorp Genetics (formerly Invitae), Labcorp
Classification: Uncertain significance for COG1 congenital disorder of glycosylation. Last evaluated: 2022-03-28. Review status: criteria provided, single submitter. Criteria: Invitae Variant Classification Sherloc (09022015). Collection method: clinical testing. Allele origin: germline.
Comment: This sequence change replaces arginine, which is basic and polar, with tryptophan, which is neutral and slightly polar, at codon 55 of the COG1 protein (p.Arg55Trp). This variant is present in population databases (rs766694294, gnomAD 0.01%). This variant has not been reported in the literature in individuals affected with COG1-related conditions. Algorithms developed to predict the effect of missense changes on protein structure and function (SIFT, PolyPhen-2, Align-GVGD) all suggest that this variant is likely to be disruptive. In summary, the available evidence is currently insufficient to determine the role of this variant in disease. Therefore, it has been classified as a Variant of Uncertain Significance.

NM_018714.3(COG1):c.163C>T (p.Arg55Trp)

Genes: COG1 (component of oligomeric golgi complex 1; plus strand), LOC130061576 (ATAC-STARR-seq lymphoblastoid active region 12690; plus strand). Cytogenetic location: 17q25.1.
Variant type: single nucleotide variant.
Coding change: c.163C>T on transcript NM_018714.3 (MANE Select); coding-DNA position 163, C replaced by T.
Protein change: p.Arg55Trp; replaces arginine 55 with tryptophan.
Molecular consequence: missense variant.
Genome position (GRCh38, 1-based): chr17:73,193,232, C>T. VCF-style: chr17-73193232-C-T. GRCh37 (hg19) VCF-style: chr17-71189371-C-T.
Other names: c.163C>T (NM_018714.2); short protein forms R55W.
Identifiers: ClinVar variation 2191469 (VCV002191469.2), dbSNP rs766694294, ClinGen allele CA8739895.